The following is an entry in ClinVar:

ClinVar aggregate classification (germline): Conflicting classifications of pathogenicity. Review status: criteria provided, conflicting classifications (1 of 4 stars). 4 submissions from 4 submitters: Uncertain significance (3); Likely benign (1). Last evaluated 2025-10-18.

Conditions:
Hereditary cancer-predisposing syndrome. Also called: Neoplastic Syndromes, Hereditary; Tumor predisposition; Hereditary Cancer Syndrome; Hereditary neoplastic syndrome. Identifiers: Orphanet 140162, MedGen C0027672, MeSH D009386, MONDO:0015356.
Familial adenomatous polyposis 1 (FAP1). Also called: FAMILIAL ADENOMATOUS POLYPOSIS 1, ATTENUATED; POLYPOSIS, ADENOMATOUS INTESTINAL. Identifiers: MedGen C2713442, MONDO:0021056, OMIM 175100. Disease mechanism: loss of function.

Allele frequency attached by ClinVar (database versions not stated): ExAC 0.00001.
gnomAD v4.1: 3 of 1,613,926 alleles (0.00019%); highest among the groups gnomAD compares: East Asian, 0.0045%; no homozygotes.

Submissions (4):

Labcorp Genetics (formerly Invitae), Labcorp
Classification: Uncertain significance for Familial adenomatous polyposis 1. Last evaluated: 2025-10-18. Review status: criteria provided, single submitter. Criteria: Invitae Variant Classification Sherloc (09022015). Collection method: clinical testing. Allele origin: germline.
Comment: This sequence change replaces glycine, which is neutral and non-polar, with valine, which is neutral and non-polar, at codon 2383 of the APC protein (p.Gly2383Val). This variant is present in population databases (rs754320004, gnomAD 0.01%). This variant has not been reported in the literature in individuals affected with APC-related conditions. ClinVar contains an entry for this variant (Variation ID: 482440). Invitae Evidence Modeling of protein sequence and biophysical properties (such as structural, functional, and spatial information, amino acid conservation, physicochemical variation, residue mobility, and thermodynamic stability) indicates that this missense variant is not expected to disrupt APC protein function with a negative predictive value of 95%. In summary, the available evidence is currently insufficient to determine the role of this variant in disease. Therefore, it has been classified as a Variant of Uncertain Significance.

Color Diagnostics, LLC DBA Color Health
Classification: Uncertain significance for Hereditary cancer-predisposing syndrome. Last evaluated: 2024-03-06. Review status: criteria provided, single submitter. Criteria: ACMG Guidelines, 2015. Collection method: clinical testing. Allele origin: germline.
Comment: This missense variant replaces glycine with valine at codon 2383 of the APC protein. Computational prediction is inconclusive regarding the impact of this variant on protein structure and function (internally defined REVEL score threshold 0.5 < inconclusive < 0.7, PMID: 27666373). Splice site prediction tools suggest that this variant may not impact RNA splicing. To our knowledge, functional studies have not been reported for this variant. This variant has not been reported in individuals affected with familial adenomatous polyposis in the literature. This variant has been identified in 2/250230 chromosomes in the general population by the Genome Aggregation Database (gnomAD). The available evidence is insufficient to determine the role of this variant in disease conclusively. Therefore, this variant is classified as a Variant of Uncertain Significance.

Baylor Genetics
Classification: Uncertain significance for Familial adenomatous polyposis 1. Last evaluated: 2023-10-09. Review status: criteria provided, single submitter. Criteria: ACMG Guidelines, 2015. Collection method: clinical testing. Allele origin: unknown.

Ambry Genetics
Classification: Likely benign for Hereditary cancer-predisposing syndrome. Last evaluated: 2022-08-17. Review status: criteria provided, single submitter. Criteria: Ambry Variant Classification Scheme 2023. Collection method: clinical testing. Allele origin: germline.

NM_000038.6(APC):c.7148G>T (p.Gly2383Val)

Gene: APC (APC regulator of Wnt signaling pathway; plus strand). Cytogenetic location: 5q22.2.
Variant type: single nucleotide variant.
Coding change: c.7148G>T on transcript NM_000038.6 (MANE Select); coding-DNA position 7148, G replaced by T.
Protein change: p.Gly2383Val; replaces glycine 2383 with valine.
Molecular consequence: missense variant.
Genome position (GRCh38, 1-based): chr5:112,842,742, G>T. VCF-style: chr5-112842742-G-T. GRCh37 (hg19) VCF-style: chr5-112178439-G-T.
Other names: c.7148G>T, p.Gly2383Val (NM_001127510.3, NM_001354895.2); c.7094G>T, p.Gly2365Val (NM_001127511.3); c.7202G>T, p.Gly2401Val (NM_001354896.2); c.7178G>T, p.Gly2393Val (NM_001354897.2); c.7073G>T, p.Gly2358Val (NM_001354898.2); c.7064G>T, p.Gly2355Val (NM_001354899.2); c.7025G>T, p.Gly2342Val (NM_001354900.2); c.6971G>T, p.Gly2324Val (NM_001354901.2); and 5 more; short protein forms G2383V, G2365V, G2282V, G2342V, G2324V, G2393V, G2100V, G2223V.
Identifiers: ClinVar variation 482440 (VCV000482440.18), dbSNP rs754320004, ClinGen allele CA047090.